The following is an entry in ClinVar:

ClinVar aggregate classification (germline): Uncertain significance (1 of 4 stars; one submission).

Conditions:
Brugada syndrome. Also called: Sudden unexpected nocturnal death syndrome; Sudden unexplained nocturnal death syndrome; Sudden Unexplained Death Syndrome; Sudden Unexplained Nocturnal Death Syndrome (SUNDS). Identifiers: Orphanet 130, MedGen C1142166, MONDO:0015263.

Submission:

Labcorp Genetics (formerly Invitae), Labcorp
Classification: Uncertain significance for Brugada syndrome. Last evaluated: 2022-11-26. Review status: criteria provided, single submitter. Criteria: Invitae Variant Classification Sherloc (09022015). Collection method: clinical testing. Allele origin: germline.
Comment: In summary, the available evidence is currently insufficient to determine the role of this variant in disease. Therefore, it has been classified as a Variant of Uncertain Significance. Variants that disrupt the consensus splice site are a relatively common cause of aberrant splicing (PMID: 17576681, 9536098). Algorithms developed to predict the effect of sequence changes on RNA splicing suggest that this variant is not likely to affect RNA splicing. This variant has not been reported in the literature in individuals affected with CACNA2D1-related conditions. This variant is present in population databases (no rsID available, gnomAD 0.0009%). This sequence change falls in intron 15 of the CACNA2D1 gene. It does not directly change the encoded amino acid sequence of the CACNA2D1 protein. It affects a nucleotide within the consensus splice site.

Literature cited by the submitters: PubMed 17576681; PubMed 9536098.

NM_000722.4(CACNA2D1):c.1362+2_1362+5dup

Genes: CACNA2D1 (calcium voltage-gated channel auxiliary subunit alpha2delta 1; minus strand), CACNA2D1-AS1 (CACNA2D1 antisense RNA 1; plus strand). Cytogenetic location: 7q21.11.
Variant type: Duplication.
Coding change: c.1362+2_1362+5dup on transcript NM_000722.4 (MANE Select); the canonical splice donor site of the intron after coding-DNA position 1362 through 5 bases into the intron after coding-DNA position 1362, 4 bases duplicated (TAAG; older notation c.1362+2_1362+5dupTAAG).
Molecular consequence: splice donor variant.
Genome position (GRCh38, 1-based): chr7:82,012,149-82,012,152, CTTA duplicated on the plus strand (TAAG on the coding strand, the reverse complement: CACNA2D1 is on the minus strand); duplicating any 4 consecutive bases within chr7:82,012,149-82,012,153 gives the same sequence; the c. name uses the placement nearest the transcript's 3' end. VCF-style (leftmost placement, unchanged base first): chr7-82012148-T-TCTTA. GRCh37 (hg19) VCF-style: chr7-81641464-T-TCTTA.
Other names: c.1362+2_1362+5dup (NM_001366867.1).
Identifiers: ClinVar variation 3007734 (VCV003007734.3), dbSNP rs1219447657, ClinGen allele CA575811957.